The following is an entry in ClinVar:

NM_001378454.1(ALMS1):c.7924G>A (p.Val2642Ile)

Gene: ALMS1 (ALMS1 centrosome and basal body associated protein; plus strand). Cytogenetic location: 2p13.1.
Variant type: single nucleotide variant.
Coding change: c.7924G>A on transcript NM_001378454.1 (MANE Select); coding-DNA position 7924, G replaced by A.
Protein change: p.Val2642Ile; replaces valine 2642 with isoleucine.
Molecular consequence: missense variant.
Genome position (GRCh38, 1-based): chr2:73,489,883, G>A. VCF-style: chr2-73489883-G-A. GRCh37 (hg19) VCF-style: chr2-73717010-G-A.
Other names: c.7927G>A, p.Val2643Ile (NM_015120.4); short protein forms V2643I, V2642I.
Identifiers: ClinVar variation 1761251 (VCV001761251.2), dbSNP rs780096650, ClinGen allele CA1714375.

ClinVar aggregate classification (germline): Uncertain significance (1 of 4 stars; one submission).

Conditions:
Cardiovascular phenotype. Identifiers: MedGen CN230736.

Allele frequency attached by ClinVar (database versions not stated): ExAC 0.00001; gnomAD exomes 0.00001; TOPMed 0.00001.
gnomAD v4.1: 3 of 1,614,158 alleles (0.00019%); highest among the groups gnomAD compares: Admixed American, 0.005%; no homozygotes.

Submission:

Ambry Genetics
Classification: Uncertain significance for Cardiovascular phenotype. Last evaluated: 2022-08-24. Review status: criteria provided, single submitter. Criteria: Ambry Variant Classification Scheme 2023. Collection method: clinical testing. Allele origin: germline.
Comment: The p.V2643I variant (also known as c.7927G>A), located in coding exon 10 of the ALMS1 gene, results from a G to A substitution at nucleotide position 7927. The valine at codon 2643 is replaced by isoleucine, an amino acid with highly similar properties. This amino acid position is highly conserved in available vertebrate species. In addition, this alteration is predicted to be tolerated by in silico analysis. Since supporting evidence is limited at this time, the clinical significance of this alteration remains unclear.